The following is an entry in ClinVar:

NM_130837.3(OPA1):c.2038T>G (p.Trp680Gly)

Gene: OPA1 (OPA1 mitochondrial dynamin like GTPase; plus strand). Cytogenetic location: 3q29.
Variant type: single nucleotide variant.
Coding change: c.2038T>G on transcript NM_130837.3 (MANE Select); coding-DNA position 2038, T replaced by G.
Protein change: p.Trp680Gly; replaces tryptophan 680 with glycine.
Molecular consequence: missense variant.
Genome position (GRCh38, 1-based): chr3:193,654,887, T>G. VCF-style: chr3-193654887-T-G. GRCh37 (hg19) VCF-style: chr3-193372676-T-G.
Other names: c.1504T>G, p.Trp502Gly (NM_001354663.2); c.1501T>G, p.Trp501Gly (NM_001354664.2); c.1873T>G, p.Trp625Gly (NM_015560.3); c.1765T>G, p.Trp589Gly (NM_130831.3); c.1819T>G, p.Trp607Gly (NM_130832.3); c.1876T>G, p.Trp626Gly (NM_130833.3); c.1927T>G, p.Trp643Gly (NM_130834.3); c.1930T>G, p.Trp644Gly (NM_130835.3); and 1 more; short protein forms W680G, W502G, W589G, W626G, W643G, W501G, W644G, W607G.
Identifiers: ClinVar variation 3667103 (VCV003667103.2).
Genomic context (GRCh38, chr3:193,654,887, plus strand): 5'-TTAGATTTGGTGCTTTTGATACTTTTTTATTTCAGGGAGGAAATCCTTCAACAATCTTTG[T>G]GGGAAAGAGTATCAACTCATGTGATTGAAAACATCTACCTTCCAGCTGCGCAGACCATGA-3'
Protein context (NP_570850.2, residues 670-690): HWEEILQQSL[Trp680Gly]ERVSTHVIEN

ClinVar aggregate classification (germline): Uncertain significance (1 of 4 stars; one submission).

Submission:

Labcorp Genetics (formerly Invitae), Labcorp
Classification: Uncertain significance. Last evaluated: 2024-09-28. Review status: criteria provided, single submitter. Criteria: Invitae Variant Classification Sherloc (09022015). Collection method: clinical testing. Allele origin: germline.
Comment: This sequence change replaces tryptophan, which is neutral and slightly polar, with glycine, which is neutral and non-polar, at codon 625 of the OPA1 protein (p.Trp625Gly). This variant is not present in population databases (gnomAD no frequency). This variant has not been reported in the literature in individuals affected with OPA1-related conditions. Invitae Evidence Modeling of protein sequence and biophysical properties (such as structural, functional, and spatial information, amino acid conservation, physicochemical variation, residue mobility, and thermodynamic stability) indicates that this missense variant is expected to disrupt OPA1 protein function with a positive predictive value of 80%. In summary, the available evidence is currently insufficient to determine the role of this variant in disease. Therefore, it has been classified as a Variant of Uncertain Significance.